The following is an entry in ClinVar:

ClinVar aggregate classification (germline): Uncertain significance. Review status: criteria provided, multiple submitters, no conflicts (2 of 4 stars). 2 submissions from 2 submitters: Uncertain significance (2). Last evaluated 2025-10-23.

Conditions:
Hereditary cancer-predisposing syndrome. Also called: Tumor predisposition; Neoplastic Syndromes, Hereditary; Hereditary neoplastic syndrome; Hereditary Cancer Syndrome. Identifiers: Orphanet 140162, MedGen C0027672, MeSH D009386, MONDO:0015356.

Allele frequency attached by ClinVar (database versions not stated): gnomAD exomes below 0.00001; gnomAD 0.00001; TOPMed 0.00001.
gnomAD v4.1: 5 of 1,613,844 alleles (0.00031%); highest among the groups gnomAD compares: Non-Finnish European, 0.00042%; no homozygotes.

Submissions (3):

Labcorp Genetics (formerly Invitae), Labcorp
Classification: Uncertain significance. Last evaluated: 2025-10-23. Review status: criteria provided, single submitter. Criteria: Invitae Variant Classification Sherloc (09022015). Collection method: clinical testing. Allele origin: germline.
Comment: This sequence change replaces threonine, which is neutral and polar, with alanine, which is neutral and non-polar, at codon 481 of the FH protein (p.Thr481Ala). The frequency data for this variant in the population databases is considered unreliable, as metrics indicate poor data quality at this position in the gnomAD database. This variant has not been reported in the literature in individuals affected with FH-related conditions. ClinVar contains an entry for this variant (Variation ID: 1059834). Invitae Evidence Modeling of protein sequence and biophysical properties (such as structural, functional, and spatial information, amino acid conservation, physicochemical variation, residue mobility, and thermodynamic stability) indicates that this missense variant is expected to disrupt FH protein function with a positive predictive value of 95%. In summary, the available evidence is currently insufficient to determine the role of this variant in disease. Therefore, it has been classified as a Variant of Uncertain Significance.

Ambry Genetics
Classification: Uncertain significance for Hereditary cancer-predisposing syndrome. Last evaluated: 2024-06-27. Review status: criteria provided, single submitter. Criteria: Ambry Variant Classification Scheme 2023. Collection method: clinical testing. Allele origin: germline.
Comment: The p.T481A variant (also known as c.1441A>G), located in coding exon 10 of the FH gene, results from an A to G substitution at nucleotide position 1441. The threonine at codon 481 is replaced by alanine, an amino acid with similar properties. This amino acid position is highly conserved in available vertebrate species. In addition, this alteration is predicted to be deleterious by in silico analysis. Based on the available evidence, the clinical significance of this variant remains unclear.

Blake Wilde Laboratory, Roswell Park Comprehensive Cancer Center
No classification provided (evidence only). Condition: Hereditary leiomyomatosis and renal cell cancer. Review status: no classification provided. Collection method: in vitro. Allele origin: not applicable. Functional consequence: decreased enzyme activity. Not counted in ClinVar's aggregate classification.

NM_000143.4(FH):c.1441A>G (p.Thr481Ala)

Gene: FH (fumarate hydratase; minus strand). Cytogenetic location: 1q43.
Variant type: single nucleotide variant.
Coding change: c.1441A>G on transcript NM_000143.4 (MANE Select); coding-DNA position 1441, A replaced by G.
Protein change: p.Thr481Ala; replaces threonine 481 with alanine.
Molecular consequence: missense variant.
Genome position (GRCh38, 1-based): chr1:241,497,920, T>C on the plus strand (A>G on the coding strand, the complement: FH is on the minus strand). VCF-style: chr1-241497920-T-C. GRCh37 (hg19) VCF-style: chr1-241661220-T-C.
Other names: c.1441A>G (NM_000143.3); short protein forms T481A.
Identifiers: ClinVar variation 1059834 (VCV001059834.8), dbSNP rs1261707355, ClinGen allele CA345450684.